The following is an entry in ClinVar:

ClinVar aggregate classification (germline): Uncertain significance (1 of 4 stars; one submission).

Conditions:
Glycine encephalopathy. Also called: Non-ketotic hyperglycinemia; Nonketotic hyperglycinemia. Identifiers: Orphanet 407, MedGen C0751748, MONDO:0011612, HP:0008288.

Allele frequency attached by ClinVar (database versions not stated): gnomAD exomes below 0.00001.
gnomAD v4.1: 1 of 1,613,748 alleles (0.000062%); highest among the groups gnomAD compares: Admixed American, 0.0017%; no homozygotes.

Submission:

Labcorp Genetics (formerly Invitae), Labcorp
Classification: Uncertain significance for Glycine encephalopathy. Last evaluated: 2022-07-12. Review status: criteria provided, single submitter. Criteria: Invitae Variant Classification Sherloc (09022015). Collection method: clinical testing. Allele origin: germline.
Comment: This sequence change replaces valine, which is neutral and non-polar, with alanine, which is neutral and non-polar, at codon 81 of the AMT protein (p.Val81Ala). This variant is present in population databases (no rsID available, gnomAD 0.003%). This variant has not been reported in the literature in individuals affected with AMT-related conditions. Algorithms developed to predict the effect of missense changes on protein structure and function are either unavailable or do not agree on the potential impact of this missense change (SIFT: "Deleterious"; PolyPhen-2: "Probably Damaging"; Align-GVGD: "Class C0"). In summary, the available evidence is currently insufficient to determine the role of this variant in disease. Therefore, it has been classified as a Variant of Uncertain Significance.

NM_000481.4(AMT):c.242T>C (p.Val81Ala)

Gene: AMT (aminomethyltransferase; minus strand). Cytogenetic location: 3p21.31.
Variant type: single nucleotide variant.
Coding change: c.242T>C on transcript NM_000481.4 (MANE Select); coding-DNA position 242, T replaced by C.
Protein change: p.Val81Ala; replaces valine 81 with alanine.
Molecular consequence: missense variant. On other transcripts: non-coding transcript variant (1), intron variant (1).
Genome position (GRCh38, 1-based): chr3:49,422,120, A>G on the plus strand (T>C on the coding strand, the complement: AMT is on the minus strand). VCF-style: chr3-49422120-A-G. GRCh37 (hg19) VCF-style: chr3-49459553-A-G.
Other names: c.242T>C, p.Val81Ala (NM_001164710.2, NM_001164712.2); c.90+241T>C (NM_001164711.2); short protein forms V81A.
Identifiers: ClinVar variation 2154228 (VCV002154228.1), dbSNP rs1226033814, ClinGen allele CA352791041.